The following is an entry in ClinVar:

NM_004006.3(DMD):c.6913-3C>A

Gene: DMD (dystrophin; minus strand). Cytogenetic location: Xp21.1.
Variant type: single nucleotide variant.
Coding change: c.6913-3C>A on transcript NM_004006.3 (MANE Select); 3 bases into the intron before coding-DNA position 6913, C replaced by A.
Molecular consequence: intron variant.
Genome position (GRCh38, 1-based): chrX:31,875,376, G>T on the plus strand (C>A on the coding strand, the complement: DMD is on the minus strand). VCF-style: chrX-31875376-G-T. GRCh37 (hg19) VCF-style: chrX-31893493-G-T.
Other names: c.6889-3C>A (NM_000109.4); c.2890-3C>A (NM_004011.4); c.2881-3C>A (NM_004012.4); c.-468-3C>A (NM_004023.3, NM_004020.4, NM_004022.3 and 2 more transcripts); c.6901-3C>A (NM_004009.3); c.6544-3C>A (NM_004010.3).
Identifiers: ClinVar variation 1756134 (VCV001756134.2), dbSNP rs371319031, ClinGen allele CA10378370.

ClinVar aggregate classification (germline): Uncertain significance (1 of 4 stars; one submission).

Conditions:
Cardiovascular phenotype. Identifiers: MedGen CN230736.

Allele frequency attached by ClinVar (database versions not stated): TOPMed below 0.00001; gnomAD 0.00004; ESP Exome Variant Server 0.00009; 1000 Genomes Project 0.00053; 1000 Genomes Project 30x 0.00083.

Submission:

Ambry Genetics
Classification: Uncertain significance for Cardiovascular phenotype. Last evaluated: 2021-05-10. Review status: criteria provided, single submitter. Criteria: Ambry Variant Classification Scheme 2023. Collection method: clinical testing. Allele origin: germline.
Comment: The c.6913-3C>A intronic variant results from a C to A substitution 3 nucleotides upstream from coding exon 48 in the DMD gene. This nucleotide position is well conserved in available vertebrate species. Based on data from gnomAD, the A allele has an overall frequency of 0.002% (3/168815) total alleles studied, with no hemizygotes observed. The highest observed frequency was 0.02% (3/12365) of African/African American alleles. In silico splice site analysis predicts that this alteration will not have any significant effect on splicing. Since supporting evidence is limited at this time, the clinical significance of this alteration remains unclear.